The following is an entry in ClinVar:

NM_177438.3(DICER1):c.4691A>G (p.Glu1564Gly)

Gene: DICER1 (dicer 1, ribonuclease III; minus strand). Cytogenetic location: 14q32.13.
Variant type: single nucleotide variant.
Coding change: c.4691A>G on transcript NM_177438.3 (MANE Select); coding-DNA position 4691, A replaced by G.
Protein change: p.Glu1564Gly; replaces glutamic acid 1564 with glycine.
Molecular consequence: missense variant. On other transcripts: non-coding transcript variant (6).
Genome position (GRCh38, 1-based): chr14:95,096,229, T>C on the plus strand (A>G on the coding strand, the complement: DICER1 is on the minus strand). VCF-style: chr14-95096229-T-C. GRCh37 (hg19) VCF-style: chr14-95562566-T-C.
Other names: NR_172720.1:n.5036A>G; NM_177438.3(DICER1):c.4691A>G; p.Glu1564Gly; c.4691A>G, p.Glu1564Gly (NM_001195573.1, NM_001271282.3, NM_001291628.2 and 13 more transcripts); c.4409A>G, p.Glu1470Gly (NM_001395686.1); c.4286A>G, p.Glu1429Gly (NM_001395687.1, NM_001395688.1, NM_001395689.1 and 2 more transcripts); c.4124A>G, p.Glu1375Gly (NM_001395691.1); c.3008A>G, p.Glu1003Gly (NM_001395697.1); short protein forms E1003G, E1375G, E1429G, E1470G, E1564G.
Identifiers: ClinVar variation 1722522 (VCV001722522.4), dbSNP rs2542489596, ClinGen allele CA390867511.

ClinVar aggregate classification (germline): Uncertain significance. Review status: reviewed by expert panel (3 of 4 stars). 2 submissions from 2 submitters: Uncertain significance (1). 1 of the submissions does not count toward it. Last evaluated 2026-11-03.

Conditions:
Neurodevelopmental disorder. Identifiers: MedGen C1535926, MeSH D065886, MONDO:0700092.
DICER1-related tumor predisposition. Also called: DICER1-related pleuropulmonary blastoma cancer predisposition syndrome; DICER1 syndrome. Identifiers: Orphanet 284343, MedGen C3839822, MONDO:0100216.

Submissions (2):

ClinGen DICER1 and miRNA-Processing Gene Variant Curation Expert Panel, ClinGen
Classification: Uncertain significance for DICER1-related tumor predisposition. Last evaluated: 2026-11-03. Review status: reviewed by expert panel. Criteria: ClinGen DICER1 and miRNA-Processing Gene Expert Panel Specifications to the ACMG/AMP Variant Interpretation Guidelines for DICER1 Version 1.4. Collection method: curation. Allele origin: germline. Inheritance: Autosomal dominant inheritance.
Comment: The NM_177438.2:c.4691A>G variant in DICER1 is a missense variant predicted to cause substitution of Glutamic Acid by Glycine at amino acid 1564 (p.Glu1564Gly). Although this variant has been observed in at least one individual with neurodevelopmental phenotype, to our knowledge, this variant has not been reported in individuals with DICER1-related tumor predisposition (PS4 not met; Internal lab contributors). This variant is absent from gnomAD v4.1.0 (PM2_Supporting). In silico tools predict damaging impact of the variant on protein function (REVEL: 0.937) (PP3). In summary, this variant meets the criteria to be classified as Uncertain Significance for DICER1-related tumor predisposition based on the ACMG/AMP criteria applied, as specified by the ClinGen DICER1 VCEP: PP3, PM2_Supporting. (VCEP specifications version 1.4.0). Based on Tavtigian et al 2020 (PMID:32720330), the total points applied = 2, which equates to a classification of VUS.

Broad Center for Mendelian Genomics, Broad Institute of MIT and Harvard
Classification: Uncertain significance for Neurodevelopmental disorder. Last evaluated: 2024-06-19. Review status: criteria provided, single submitter. Criteria: ACMG Guidelines, 2015. Collection method: curation. Allele origin: germline. Inheritance: Autosomal dominant inheritance. Study: GREGoR Consortium. Not counted in ClinVar's aggregate classification.
Comment: While this gene is still lacking sufficient evidence to establish a gene-disease relationship, we believe this is a possible novel gene candidate for neurodevelopmental disorders. Given the limited information about this gene-disease relationship, the significance of the p.Glu1564Gly variant is uncertain. If you have any additional information about functional evidence or other individuals with this phenotype that also have variants in DICER1 we encourage you to reach out to us.